The following is an entry in ClinVar:

ClinVar aggregate classification (germline): Uncertain significance. Review status: criteria provided, multiple submitters, no conflicts (2 of 4 stars). 3 submissions from 3 submitters: Uncertain significance (3). Last evaluated 2025-10-12.

Conditions:
Dilated cardiomyopathy 1AA (CMD1AA). Also called: Cardiomyopathy, dilated, 1AA, with or without LVNC; CARDIOMYOPATHY, DILATED, 1AA, WITH OR WITHOUT LEFT VENTRICULAR NONCOMPACTION; CARDIOMYOPATHY, FAMILIAL HYPERTROPHIC, 23, WITH OR WITHOUT LEFT VENTRICULAR NONCOMPACTION. Identifiers: Orphanet 154, MedGen C2677338, MONDO:0012808, OMIM 612158.
Primary familial hypertrophic cardiomyopathy (HCM). Identifiers: Orphanet 99739, MedGen C0949658, MeSH D024741, MONDO:0024573. Inheritance: Various modes of inheritance.
Left ventricular noncompaction cardiomyopathy. Also called: left ventricular non-compaction cardiomyopathy. Identifiers: MedGen C4021133, HP:0011664.

Allele frequency attached by ClinVar (database versions not stated): gnomAD exomes below 0.00001; ExAC 0.00001.
gnomAD v4.1: 2 of 1,614,182 alleles (0.00012%); highest among the groups gnomAD compares: South Asian, 0.0011%; no homozygotes.

Submissions (3):

Labcorp Genetics (formerly Invitae), Labcorp
Classification: Uncertain significance for Primary familial hypertrophic cardiomyopathy; Dilated cardiomyopathy 1AA. Last evaluated: 2025-10-12. Review status: criteria provided, single submitter. Criteria: Invitae Variant Classification Sherloc (09022015). Collection method: clinical testing. Allele origin: germline.
Comment: This sequence change creates a premature translational stop signal (p.Gln806*) in the ACTN2 gene. It is expected to result in an absent or disrupted protein product. However, the current clinical and genetic evidence is not sufficient to establish whether loss-of-function variants in ACTN2 cause disease. This variant is present in population databases (rs772733279, gnomAD 0.003%). This variant has not been reported in the literature in individuals affected with ACTN2-related conditions. ClinVar contains an entry for this variant (Variation ID: 222486). In summary, the available evidence is currently insufficient to determine the role of this variant in disease. Therefore, it has been classified as a Variant of Uncertain Significance.

Clinical Genetics Laboratory, Skane University Hospital Lund
Classification: Uncertain significance. Last evaluated: 2023-09-14. Review status: criteria provided, single submitter. Criteria: ACMG Guidelines, 2015. Collection method: clinical testing. Allele origin: germline. Affected: yes.

Blueprint Genetics
Classification: Uncertain significance for Left ventricular noncompaction cardiomyopathy. Last evaluated: 2015-03-30. Review status: criteria provided, single submitter. Criteria: Variant Classification. Collection method: clinical testing. Allele origin: germline. Affected: yes. Observed: 1 variant allele.

NM_001103.4(ACTN2):c.2416C>T (p.Gln806Ter)

Gene: ACTN2 (actinin alpha 2; plus strand). Cytogenetic location: 1q43.
Variant type: single nucleotide variant.
Coding change: c.2416C>T on transcript NM_001103.4 (MANE Select); coding-DNA position 2416, C replaced by T.
Protein change: p.Gln806Ter; replaces glutamine 806 with a stop codon.
Molecular consequence: nonsense.
Genome position (GRCh38, 1-based): chr1:236,761,063, C>T. VCF-style: chr1-236761063-C-T. GRCh37 (hg19) VCF-style: chr1-236924363-C-T.
Other names: c.2416C>T, p.Gln806Ter (NM_001278343.2); c.1792C>T, p.Gln598Ter (NM_001278344.2); short protein forms Q806*, Q598*.
Identifiers: ClinVar variation 222486 (VCV000222486.3), dbSNP rs772733279, ClinGen allele CA070495.